The following is an entry in ClinVar:

ClinVar aggregate classification (germline): Uncertain significance (1 of 4 stars; one submission).

Conditions:
MYO3A-related disorder. Also called: MYO3A-related condition.

gnomAD v4.1: 2 of 1,613,982 alleles (0.00012%); highest among the groups gnomAD compares: Non-Finnish European, 0.00017%; no homozygotes.

Submission:

PreventionGenetics, part of Exact Sciences
Classification: Uncertain significance for MYO3A-related condition. Last evaluated: 2026-04-04. Review status: criteria provided, single submitter. Criteria: ACMG Guidelines, 2015. Collection method: clinical testing. Allele origin: germline.
Comment: The MYO3A c.875G>T variant is predicted to result in the amino acid substitution p.Gly292Val. To our knowledge, this variant has not been reported in the literature. This variant is reported in 0.00088% of alleles in individuals of European (Non-Finnish) descent in gnomAD. At this time, the clinical significance of this variant is uncertain due to the absence of conclusive functional and genetic evidence.

NM_017433.5(MYO3A):c.875G>T (p.Gly292Val)

Gene: MYO3A (myosin IIIA; plus strand). Cytogenetic location: 10p12.1.
Variant type: single nucleotide variant.
Coding change: c.875G>T on transcript NM_017433.5 (MANE Select); coding-DNA position 875, G replaced by T.
Protein change: p.Gly292Val; replaces glycine 292 with valine.
Molecular consequence: missense variant.
Genome position (GRCh38, 1-based): chr10:26,026,454, G>T. VCF-style: chr10-26026454-G-T. GRCh37 (hg19) VCF-style: chr10-26315383-G-T.
Other names: short protein forms G292V.
Identifiers: ClinVar variation 4978497 (VCV004978497.1).